The following is an entry in ClinVar:

ClinVar aggregate classification (germline): Uncertain significance (1 of 4 stars; one submission).

Conditions:
Inborn genetic diseases. Identifiers: MedGen C0950123, MeSH D030342.

Allele frequency attached by ClinVar (database versions not stated): gnomAD exomes below 0.00001.
gnomAD v4.1: 4 of 1,614,170 alleles (0.00025%); highest among the groups gnomAD compares: Admixed American, 0.0017%; no homozygotes.

Submission:

Ambry Genetics
Classification: Uncertain significance for Inborn genetic diseases. Last evaluated: 2016-09-09. Review status: criteria provided, single submitter. Criteria: Ambry Variant Classification Scheme 2023. Collection method: clinical testing. Allele origin: germline.
Comment: The p.I260V variant (also known as c.778A>G), located in coding exon 4 of the LINS gene, results from an A to G substitution at nucleotide position 778. The isoleucine at codon 260 is replaced by valine, an amino acid with highly similar properties. This variant was not reported in population based cohorts in the following databases: Database of Single Nucleotide Polymorphisms (dbSNP), NHLBI Exome Sequencing Project (ESP), and 1000 Genomes Project. In the ESP, this variant was not observed in 6502 samples (13004 alleles) with coverage at this position. This amino acid position is poorly conserved in available vertebrate species. In addition, this alteration is predicted to be tolerated by in silico analysis. Since supporting evidence is limited at this time, the clinical significance of this variant remains unclear.

NM_001040616.3(LINS1):c.778A>G (p.Ile260Val)

Gene: LINS1 (lines homolog 1; minus strand). Cytogenetic location: 15q26.3.
Variant type: single nucleotide variant.
Coding change: c.778A>G on transcript NM_001040616.3 (MANE Select); coding-DNA position 778, A replaced by G.
Protein change: p.Ile260Val; replaces isoleucine 260 with valine.
Molecular consequence: missense variant. On other transcripts: non-coding transcript variant (3).
Genome position (GRCh38, 1-based): chr15:100,574,095, T>C on the plus strand (A>G on the coding strand, the complement: LINS1 is on the minus strand). VCF-style: chr15-100574095-T-C. GRCh37 (hg19) VCF-style: chr15-101114300-T-C.
Other names: c.31A>G, p.Ile11Val (NM_001352507.2); c.733A>G, p.Ile245Val (NM_001352508.2); short protein forms I260V, I245V, I11V.
Identifiers: ClinVar variation 589392 (VCV000589392.5), dbSNP rs1291611710, ClinGen allele CA393936464.